The following is an entry in ClinVar:

NM_030665.4(RAI1):c.3481C>T (p.Arg1161Trp)

Gene: RAI1 (retinoic acid induced 1; plus strand). Cytogenetic location: 17p11.2.
Variant type: single nucleotide variant.
Coding change: c.3481C>T on transcript NM_030665.4 (MANE Select); coding-DNA position 3481, C replaced by T.
Protein change: p.Arg1161Trp; replaces arginine 1161 with tryptophan.
Molecular consequence: missense variant.
Genome position (GRCh38, 1-based): chr17:17,796,429, C>T. VCF-style: chr17-17796429-C-T. GRCh37 (hg19) VCF-style: chr17-17699743-C-T.
Other names: short protein forms R1161W.
Identifiers: ClinVar variation 1381535 (VCV001381535.8), dbSNP rs758124889, ClinGen allele CA8418728.

ClinVar aggregate classification (germline): Uncertain significance. Review status: criteria provided, multiple submitters, no conflicts (2 of 4 stars). 2 submissions from 2 submitters: Uncertain significance (2). Last evaluated 2021-10-15.

Conditions:
Inborn genetic diseases. Identifiers: MedGen C0950123, MeSH D030342.

Allele frequency attached by ClinVar (database versions not stated): ExAC 0.00001; gnomAD 0.00001; gnomAD exomes 0.00001 and 0.00002.
gnomAD v4.1: 25 of 1,613,276 alleles (0.0015%); highest among the groups gnomAD compares: Non-Finnish European, 0.0019%; no homozygotes.

Submissions (2):

Labcorp Genetics (formerly Invitae), Labcorp
Classification: Uncertain significance. Last evaluated: 2021-10-15. Review status: criteria provided, single submitter. Criteria: Invitae Variant Classification Sherloc (09022015). Collection method: clinical testing. Allele origin: germline.
Comment: In summary, the available evidence is currently insufficient to determine the role of this variant in disease. Therefore, it has been classified as a Variant of Uncertain Significance. Algorithms developed to predict the effect of missense changes on protein structure and function (SIFT, PolyPhen-2, Align-GVGD) all suggest that this variant is likely to be disruptive. This variant has not been reported in the literature in individuals affected with RAI1-related conditions. This variant is present in population databases (rs758124889, ExAC 0.02%). This sequence change replaces arginine with tryptophan at codon 1161 of the RAI1 protein (p.Arg1161Trp). The arginine residue is highly conserved and there is a moderate physicochemical difference between arginine and tryptophan.

Ambry Genetics
Classification: Uncertain significance for Inborn genetic diseases. Last evaluated: 2019-03-05. Review status: criteria provided, single submitter. Criteria: Ambry Variant Classification Scheme 2023. Collection method: clinical testing. Allele origin: germline.
Comment: The p.R1161W variant (also known as c.3481C>T), located in coding exon 1 of the RAI1 gene, results from a C to T substitution at nucleotide position 3481. The arginine at codon 1161 is replaced by tryptophan, an amino acid with dissimilar properties. This amino acid position is well conserved in available vertebrate species. In addition, this alteration is predicted to be tolerated by in silico analysis. Since supporting evidence is limited at this time, the clinical significance of this alteration remains unclear.